The following is an entry in ClinVar:

NM_000280.4(PAX6):c.*3854A>G

Genes: ELP4 (elongator acetyltransferase complex subunit 4; plus strand), PAX6 (paired box 6; minus strand). Cytogenetic location: 11p13.
Variant type: single nucleotide variant.
Coding change: c.*3854A>G on transcript NM_000280.4; 3854 bases downstream of the stop codon, A replaced by G.
Molecular consequence: 3 prime UTR variant (on NM_019040.5).
Genome position (GRCh38, 1-based): chr11:31,786,080, T>C on the plus strand (A>G on the coding strand, the complement: PAX6 is on the minus strand). VCF-style: chr11-31786080-T-C. GRCh37 (hg19) VCF-style: chr11-31807628-T-C.
Other names: c.*2542T>C (NM_001288725.2); c.*2651T>C (NM_001288726.2); c.*2556T>C (NM_019040.5).
Identifiers: ClinVar variation 2429056 (VCV002429056.5), dbSNP rs1948597981, ClinGen allele CA1962026299.
Genomic context (GRCh38, chr11:31,786,080, plus strand): 5'-TATTTTGACTACTGCAGTTTGCTCAGGTGCTCGGGTTCTAAGACTTTTTGAATTTCCTTT[T>C]AGTAGCCACCATACAATATCTACTTTTCTCTTCCATTTATTCCTTATGTCCACCTCCAGG-3'

ClinVar aggregate classification (germline): Uncertain significance (1 of 4 stars; one submission).

Submission:

Greenwood Genetic Center Diagnostic Laboratories, Greenwood Genetic Center
Classification: Uncertain significance. Last evaluated: 2022-10-07. Review status: criteria provided, single submitter. Criteria: ACMG Guidelines, 2015. Collection method: clinical testing. Allele origin: germline. Affected: yes.
Comment: No Applicable ACMG Criteria